The following is an entry in ClinVar:

ClinVar aggregate classification (germline): Uncertain significance. Review status: criteria provided, multiple submitters, no conflicts (2 of 4 stars). 5 submissions from 5 submitters: Uncertain significance (5). Last evaluated 2026-01-16.

Conditions:
C3 glomerulonephritis. Also called: Nephropathy due to CFHR5 Deficiency; C3 GLOMERULOPATHY 3. Identifiers: Orphanet 329931, MedGen C4055342, MONDO:0013892, OMIM 614809.
Atypical hemolytic-uremic syndrome. Identifiers: Orphanet 2134, MedGen C2931788, MONDO:0016244.
Factor I deficiency (CFID). Also called: Complement factor I deficiency. Identifiers: Orphanet 200418, MedGen C3463916, MONDO:0012594, OMIM 610984.

gnomAD v4.1: 3 of 1,613,986 alleles (0.00019%); highest among the groups gnomAD compares: Admixed American, 0.0033%; no homozygotes.

Submissions (5):

Women's Health and Genetics/Laboratory Corporation of America, LabCorp
Classification: Uncertain significance. Last evaluated: 2026-01-16. Review status: criteria provided, single submitter. Criteria: LabCorp Variant Classification Summary - May 2015. Collection method: clinical testing. Allele origin: germline.
Comment: Variant summary: C3 c.3125G>A (p.Arg1042Gln) results in a conservative amino acid change in the encoded protein sequence. Algorithms developed to predict the effect of missense changes on protein structure and function are either unavailable or do not agree on the potential impact of this missense change. The variant allele was found at a frequency of 4e-06 in 251398 control chromosomes. The available data on variant occurrences in the general population are insufficient to allow any conclusion about variant significance. c.3125G>A has been observed in individual(s) affected with Complement component 3 deficiency (examples, Geerlings_2018, Timmermans_2020, Timmermans_2021). These report(s) do not provide unequivocal conclusions about association of the variant with Complement component 3 deficiency. To our knowledge, no experimental evidence demonstrating an impact on protein function has been reported. The following publications have been ascertained in the context of this evaluation (PMID: 29888403, 32342491, 33912760). ClinVar contains an entry for this variant (Variation ID: 3380565). Based on the evidence outlined above, the variant was classified as uncertain significance.

Labcorp Genetics (formerly Invitae), Labcorp
Classification: Uncertain significance. Last evaluated: 2026-01-08. Review status: criteria provided, single submitter. Criteria: Invitae Variant Classification Sherloc (09022015). Collection method: clinical testing. Allele origin: germline.
Comment: This sequence change replaces arginine, which is basic and polar, with glutamine, which is neutral and polar, at codon 1042 of the C3 protein (p.Arg1042Gln). This variant is present in population databases (no rsID available, gnomAD 0.003%). This missense change has been observed in individual(s) with C3-related conditions (PMID: 26895476, 29888403, 31694864, 32342491). ClinVar contains an entry for this variant (Variation ID: 3380565). Invitae Evidence Modeling of protein sequence and biophysical properties (such as structural, functional, and spatial information, amino acid conservation, physicochemical variation, residue mobility, and thermodynamic stability) indicates that this missense variant is expected to disrupt C3 protein function with a positive predictive value of 80%. In summary, the available evidence is currently insufficient to determine the role of this variant in disease. Therefore, it has been classified as a Variant of Uncertain Significance.

Genomenon, Inc
Classification: Uncertain significance for C3 glomerulonephritis; Atypical hemolytic-uremic syndrome. Last evaluated: 2025-09-30. Review status: criteria provided, single submitter. Criteria: Genomenon Sequence Variant Interpretation Standards. Collection method: curation. Allele origin: germline. Affected: yes.
Comment: C3 p.Arg1042Gln (c.3125G>A) is a missense variant that changes the amino acid at residue 1042 from Arginine to Glutamine. This variant has been observed in at least one proband affected with a C3-related disorder (PMID:33912760;26895476;31694864;32342491). It is absent or not present at a significant frequency in gnomAD. In silico models agree that this variant is not damaging. In conclusion, we classify C3 p.Arg1042Gln (c.3125G>A) as a variant of unknown significance.

Mayo Clinic Laboratories, Mayo Clinic
Classification: Uncertain significance. Last evaluated: 2024-11-26. Review status: criteria provided, single submitter. Criteria: ACMG Guidelines, 2015. Collection method: clinical testing. Allele origin: germline. Observed: 2 variant alleles.
Comment: BP4, PP2, PS4_moderate

Johns Hopkins Genomics, Johns Hopkins University
Classification: Uncertain significance for Factor I deficiency. Last evaluated: 2024-03-28. Review status: criteria provided, single submitter. Criteria: ACMG Guidelines, 2015. Collection method: clinical testing. Allele origin: germline.
Comment: This C3 missense variant has been reported in individuals with atypical hemolytic uremic syndrome. c.3125G>A (rs1422658316) is rare (<0.1%) in a large population dataset (gnomAD v4.0.0: 3/780876 total alleles; 0.0004%; no homozygotes), and has not been reported in ClinVar. Two bioinformatic tools queried predict that this substitution would be damaging, but these algorithms have low specificity, especially for predicting gain of function or dominant negative variants. The arginine residue at this position is evolutionarily conserved across all except one of the species assessed, which has glutamine. We consider the clinical significance of c.3125G>A in C3 to be uncertain at this time.

Literature cited by the submitters: PubMed 29888403 (cited by 4 submitters); PubMed 32342491 (cited by 4 submitters); PubMed 33912760 (cited by 4 submitters); PubMed 26895476 (cited by 3 submitters); PubMed 31694864 (cited by 3 submitters); PubMed 18796626 (cited by Johns Hopkins Genomics, Johns Hopkins University); PubMed 20301541 (cited by Johns Hopkins Genomics, Johns Hopkins University); PubMed 20301598 (cited by Johns Hopkins Genomics, Johns Hopkins University); PubMed 20513133 (cited by Johns Hopkins Genomics, Johns Hopkins University); PubMed 29030465 (cited by Johns Hopkins Genomics, Johns Hopkins University).

NM_000064.4(C3):c.3125G>A (p.Arg1042Gln)

Gene: C3 (complement C3; minus strand). Cytogenetic location: 19p13.3.
Variant type: single nucleotide variant.
Coding change: c.3125G>A on transcript NM_000064.4 (MANE Select); coding-DNA position 3125, G replaced by A.
Protein change: p.Arg1042Gln; replaces arginine 1042 with glutamine.
Molecular consequence: missense variant.
Genome position (GRCh38, 1-based): chr19:6,694,460, C>T on the plus strand (G>A on the coding strand, the complement: C3 is on the minus strand). VCF-style: chr19-6694460-C-T. GRCh37 (hg19) VCF-style: chr19-6694471-C-T.
Other names: p.Arg1042Gln; c.3125G>A (NM_000064.3); short protein forms R1042Q.
Identifiers: ClinVar variation 3380565 (VCV003380565.5).